The following is an entry in ClinVar:

ClinVar aggregate classification (germline): Likely pathogenic. Review status: reviewed by expert panel (3 of 4 stars). 5 submissions from 5 submitters: Likely pathogenic (1). 4 of the submissions do not count toward it. Last evaluated 2023-06-26.

Conditions:
Primary Mitochondrial Disorders. Identifiers: MedGen CN381104.
Mitochondrial disease. Also called: Mitochondrial disorder; Mitochondrial disorders. Identifiers: Orphanet 68380, MedGen C0751651, MeSH D028361, MONDO:0044970.
Variant of unknown significance. Identifiers: MedGen C2986382.
Generalized hypotonia. Identifiers: MedGen C1858120, HP:0001290.
Jaundice. Identifiers: MedGen C0022346, HP:0000952.
Infantile onset. Also called: Onset in first year of life; Onset in infancy. Identifiers: MedGen C1848924, HP:0003593.
Failure to thrive. Also called: Pediatric failure to thrive. Identifiers: MedGen C2315100, HP:0001508.
Neonatal onset. Identifiers: MedGen C1855106, HP:0003623.
Sudden cardiac death (SCD). Also called: Sudden adult death syndrome. Identifiers: MedGen C0085298, MeSH D016757, HP:0001645.
Constipation. Also called: Constipation disorder. Identifiers: MedGen C0009806, MONDO:0002203, HP:0002019.

Submissions (5):

ClinGen Mitochondrial Disease Nuclear and Mitochondrial  Variant Curation Expert Panel, ClinGen
Classification: Likely pathogenic for Mitochondrial disease. Last evaluated: 2023-06-26. Review status: reviewed by expert panel. Criteria: clingen mito disease acmg specifications v1-1. Collection method: curation. Allele origin: germline. Inheritance: Mitochondrial inheritance.
Comment: The m.15923A>G variant in MT-TT has been reported in four individuals with primary mitochondrial disease from four unrelated families (PS4_moderate; PMIDs: 1645537, 22638997, 29760464, 30236074). Age of onset varied from the second day of life to the 50s. Affected individuals had features consistent with neonatal lactic acidosis or MERRF (myoclonic epilepsy with ragged red fibers), in addition to myopathy, exercise intolerance, muscle atrophy, ataxia, seizures, migraines, vomiting, sensorineural hearing loss, and pigmentary retinopathy. Heteroplasmy levels in affected individuals ranged from being undetectable in certain tissues to being present at homoplasmy. There was limited testing in family members precluding considering of segregation evidence. There is one report of a de novo occurrence (PMID: 1645537) however the ability to detect low levels of heteroplasmy was limited at the time. There are four heteroplasmic occurrences of this variant in the Helix dataset, and the variant is absent in the GenBank dataset and in gnomAD v3.1.2 (PM2_supporting). MitoTIP suggests this variant is likely benign (46.6 percentile) and HmtVAR predicts it a deleterious effect (0.65). Functional testing demonstrated this variant was associated with impaired tRNA modification (PS3_moderate). This variant meets criteria to be classified as uncertain significance however, after extensive discussion, this Expert Panel elected to modify the classification to likely pathogenic given the consistent phenotypes in affected individuals and strong functional evidence showing impaired modification of the tRNA. This classification was approved by the NICHD/NINDS U24 ClinGen Mitochondrial Disease Variant Curation Expert Panel on June 26, 2023. Mitochondrial DNA-specific ACMG/AMP criteria applied (PMID: 32906214): PS4_moderate, PM2_supporting, PS3_moderate.

Variantyx, Inc.
Classification: Likely pathogenic for Primary mitochondrial disorders. Last evaluated: 2026-01-01. Review status: criteria provided, single submitter. Criteria: Variantyx Assertion Criteria 2022. Collection method: clinical testing. Allele origin: germline. Inheritance: Mitochondrial inheritance. Affected: no. Not counted in ClinVar's aggregate classification.
Comment: The m.15923A>G change is a variant in the MT-TT gene which encodes the mitochondrial transfer RNA for threonine. Pathogenic variants in this gene have been associated with primary mitochondrial disorders. hHwever, the possibility of heteroplasmy in different tissues cannot be excluded (PS2_Supporting). This variant has been reported in at least 4 unrelated affected individual(s) (PMID: 1645537, 22638997, 29760464, 30236074) (PS4_Moderate). Functional studies demonstrate a deleterious effect for this variant (PMID: 30236074) (PS3_Moderate) supported by computational algorithms (Aggregate Predicted Severity Score: 0.67) (PP3). This variant is absent from control populations (PM2). Other reputable laboratories have reported this variant as pathogenic or likely pathogenic, and this classification has been validated by an expert panel in ClinVar (PP5). Based on the current evidence, this variant is classified as likely pathogenic for primary mitochondrial disorders.

Undiagnosed Diseases Network, NIH
Classification: Pathogenic for Mitochondrial disease. Last evaluated: 2019-03-13. Review status: criteria provided, single submitter. Criteria: ACMG Guidelines, 2015. Collection method: clinical testing. Allele origin: unknown. Inheritance: Mitochondrial inheritance. Affected: yes. Observed: 1 variant allele, 1 mosaic individual. Study: Undiagnosed Diseases Network (NIH), UDN. Not counted in ClinVar's aggregate classification.

Centre for Mendelian Genomics, University Medical Centre Ljubljana
Classification: Uncertain significance for Failure to thrive; Jaundice; Neonatal onset; Sudden cardiac death; Infantile onset; Generalized hypotonia; Constipation. Last evaluated: 2015-09-21. Review status: criteria provided, single submitter. Criteria: ACMG Guidelines, 2015. Collection method: clinical testing. Allele origin: unknown. Affected: yes. Not counted in ClinVar's aggregate classification.

OMIM
Classification: Uncertain significance for VARIANT OF UNKNOWN SIGNIFICANCE. Last evaluated: 1992-08-01. Review status: no assertion criteria provided. Collection method: literature only. Allele origin: germline. Not counted in ClinVar's aggregate classification.

Literature cited by the submitters: PubMed 1645537 (cited by Variantyx, Inc. and OMIM); PubMed 22638997 (cited by Variantyx, Inc. and Undiagnosed Diseases Network, NIH); PubMed 29760464 (cited by Variantyx, Inc. and Undiagnosed Diseases Network, NIH); PubMed 30236074 (cited by Variantyx, Inc. and Undiagnosed Diseases Network, NIH); PubMed 8511015 (cited by Undiagnosed Diseases Network, NIH); PubMed 1379415 (cited by OMIM).

NC_012920.1(MT-TT):m.15923A>G

Gene: MT-TT (mitochondrially encoded tRNA threonine; plus strand).
Variant type: single nucleotide variant.
Genome position: chrM-15923-A-G.
Other names: 15923A-G.
Identifiers: ClinVar variation 39575 (VCV000039575.7), dbSNP rs1556424691, ClinGen allele CA130372.